The following is an entry in ClinVar:

NM_017739.4(POMGNT1):c.507C>T (p.Pro169=)

Genes: POMGNT1 (protein O-linked mannose N-acetylglucosaminyltransferase 1 (beta 1,2-); minus strand), TSPAN1 (tetraspanin 1; plus strand). Cytogenetic location: 1p34.1.
Variant type: single nucleotide variant.
Coding change: c.507C>T on transcript NM_017739.4 (MANE Select); coding-DNA position 507, C replaced by T.
Protein change: p.Pro169=; no amino-acid change (proline 169 retained).
Molecular consequence: synonymous variant.
Genome position (GRCh38, 1-based): chr1:46,195,838, G>A on the plus strand (C>T on the coding strand, the complement: POMGNT1 is on the minus strand). VCF-style: chr1-46195838-G-A. GRCh37 (hg19) VCF-style: chr1-46661510-G-A.
Other names: c.507C>T, p.Pro169= (NM_001243766.2, NM_001410783.1); c.441C>T, p.Pro147= (NM_001290129.3); c.78C>T, p.Pro26= (NM_001290130.2).
Identifiers: ClinVar variation 392733 (VCV000392733.11), dbSNP rs576860809, ClinGen allele CA833712.
Genomic context (GRCh38, chr1:46,195,838, plus strand): 5'-AGTAGGGGTCAGGGTCAGGACAGAATAACTGACCTTGACAGTGCAGATGAGCACTCGGCC[G>A]GGCGCTACCATGTTGAGGAATAGCACCATGGCCTCATCCTCATGAGGTGAGTACGTGTCA-3'
Protein context (NP_060209.4, residues 159-179): AMVLFLNMVA[Pro169=]GRVLICTVKD

ClinVar aggregate classification (germline): Likely benign. Review status: criteria provided, multiple submitters, no conflicts (2 of 4 stars). 3 submissions from 3 submitters: Likely benign (3). Last evaluated 2025-06-12.

Conditions:
Retinal dystrophy. Also called: Inherited retinal dystrophy. Identifiers: Orphanet 71862, MedGen C0854723, MeSH D058499, MONDO:0019118, HP:0000556.
Muscular dystrophy-dystroglycanopathy (congenital with impaired intellectual development), type B, 3. Also called: Muscular dystrophy-dystroglycanopathy (congenital with intellectual disability), type B3; MUSCULAR DYSTROPHY, CONGENITAL, POMGNT1-RELATED. Identifiers: MedGen C3150412, MONDO:0013155, OMIM 613151.
Autosomal recessive limb-girdle muscular dystrophy type 2O. Also called: Limb-Girdle Muscular Dystrophy Type 3C; MUSCULAR DYSTROPHY-DYSTROGLYCANOPATHY (LIMB-GIRDLE), TYPE C, 3; MUSCULAR DYSTROPHY-DYSTROGLYCANOPATHY, LIMB-GIRDLE, POMGNT1-RELATED. Identifiers: Orphanet 206564, MedGen C3150417, MONDO:0013161, OMIM 613157.

Allele frequency attached by ClinVar (database versions not stated): 1000 Genomes Project 30x 0.00016; gnomAD 0.00004 and 0.00003; 1000 Genomes Project 0.00020; TOPMed 0.00003.
gnomAD v4.1: 49 of 1,605,482 alleles (0.0031%); highest among the groups gnomAD compares: East Asian, 0.029%; no homozygotes.

Submissions (3):

Labcorp Genetics (formerly Invitae), Labcorp
Classification: Likely benign for Autosomal recessive limb-girdle muscular dystrophy type 2O; Muscular dystrophy-dystroglycanopathy (congenital with impaired intellectual development), type B, 3. Last evaluated: 2025-06-12. Review status: criteria provided, single submitter. Criteria: Invitae Variant Classification Sherloc (09022015). Collection method: clinical testing. Allele origin: germline.

Dept Of Ophthalmology, Nagoya University
Classification: Likely benign for Retinal dystrophy. Last evaluated: 2023-10-01. Review status: criteria provided, single submitter. Criteria: Submitter's publication. Collection method: research. Allele origin: germline. Affected: yes.

GeneDx
Classification: Likely benign. Last evaluated: 2017-01-17. Review status: criteria provided, single submitter. Criteria: GeneDx Variant Classification (06012015). Collection method: clinical testing. Allele origin: germline. Affected: yes.
Comment: This variant is considered likely benign or benign based on one or more of the following criteria: it is a conservative change, it occurs at a poorly conserved position in the protein, it is predicted to be benign by multiple in silico algorithms, and/or has population frequency not consistent with disease.